The following is an entry in ClinVar:

ClinVar aggregate classification (germline): Likely benign (1 of 4 stars; one submission).

gnomAD v4.1: 14 of 1,609,962 alleles (0.00087%); highest among the groups gnomAD compares: South Asian, 0.0022%; no homozygotes.

Submission:

CeGaT Center for Human Genetics Tuebingen
Classification: Likely benign. Last evaluated: 2023-02-01. Review status: criteria provided, single submitter. Criteria: CeGaT Center For Human Genetics Tuebingen Variant Classification Criteria Version 2. Collection method: clinical testing. Allele origin: germline. Affected: yes. Observed: 1 variant allele.
Comment: MYBPC2: BP4, BP7

NM_004533.4(MYBPC2):c.120C>T (p.Pro40=)

Gene: MYBPC2 (myosin binding protein C2; plus strand). Cytogenetic location: 19q13.33.
Variant type: single nucleotide variant.
Coding change: c.120C>T on transcript NM_004533.4 (MANE Select); coding-DNA position 120, C replaced by T.
Protein change: p.Pro40=; no amino-acid change (proline 40 retained).
Molecular consequence: synonymous variant.
Genome position (GRCh38, 1-based): chr19:50,435,786, C>T. VCF-style: chr19-50435786-C-T. GRCh37 (hg19) VCF-style: chr19-50939043-C-T.
Identifiers: ClinVar variation 2650331 (VCV002650331.24), dbSNP rs1355213778, ClinGen allele CA508188834.